The following is an entry in ClinVar:

NM_004333.6(BRAF):c.738A>G (p.Ala246=)

Gene: BRAF (B-Raf proto-oncogene, serine/threonine kinase; minus strand). Cytogenetic location: 7q34.
Variant type: single nucleotide variant.
Coding change: c.738A>G on transcript NM_004333.6 (MANE Select); coding-DNA position 738, A replaced by G.
Protein change: p.Ala246=; no amino-acid change (alanine 246 retained).
Molecular consequence: synonymous variant.
Genome position (GRCh38, 1-based): chr7:140,801,534, T>C on the plus strand (A>G on the coding strand, the complement: BRAF is on the minus strand). VCF-style: chr7-140801534-T-C. GRCh37 (hg19) VCF-style: chr7-140501334-T-C.
Other names: c.738A>G, p.Ala246= (NM_001354609.2, NM_001374244.1, NM_001374258.1).
Identifiers: ClinVar variation 752773 (VCV000752773.22), dbSNP rs1586213511, ClinGen allele CA458116704.

ClinVar aggregate classification (germline): Likely benign. Review status: criteria provided, multiple submitters, no conflicts (2 of 4 stars). 2 submissions from 2 submitters: Likely benign (2). Last evaluated 2024-11-01.

Conditions:
RASopathy. Also called: Noonan spectrum disorder; rasopathies. Identifiers: Orphanet 536391, MedGen C5555857, MONDO:0021060.

Allele frequency attached by ClinVar (database versions not stated): gnomAD exomes below 0.00001.
gnomAD v4.1: 1 of 1,613,622 alleles (0.000062%); highest among the groups gnomAD compares: South Asian, 0.0011%; no homozygotes.

Submissions (2):

CeGaT Center for Human Genetics Tuebingen
Classification: Likely benign. Last evaluated: 2024-11-01. Review status: criteria provided, single submitter. Criteria: CeGaT Center For Human Genetics Tuebingen Variant Classification Criteria Version 2. Collection method: clinical testing. Allele origin: germline. Affected: yes. Observed: 1 variant allele.
Comment: BRAF: BP4, BP7

Labcorp Genetics (formerly Invitae), Labcorp
Classification: Likely benign for RASopathy. Last evaluated: 2022-09-13. Review status: criteria provided, single submitter. Criteria: Invitae Variant Classification Sherloc (09022015). Collection method: clinical testing. Allele origin: germline.